The following is an entry in ClinVar:

NM_001271938.2(MEGF8):c.1010A>C (p.His337Pro)

Gene: MEGF8 (multiple EGF like domains 8; plus strand). Cytogenetic location: 19q13.2.
Variant type: single nucleotide variant.
Coding change: c.1010A>C on transcript NM_001271938.2 (MANE Select); coding-DNA position 1010, A replaced by C.
Protein change: p.His337Pro; replaces histidine 337 with proline.
Molecular consequence: missense variant.
Genome position (GRCh38, 1-based): chr19:42,336,112, A>C. VCF-style: chr19-42336112-A-C. GRCh37 (hg19) VCF-style: chr19-42840264-A-C.
Other names: c.1010A>C, p.His337Pro (NM_001410.3); short protein forms H337P.
Identifiers: ClinVar variation 1718131 (VCV001718131.5), dbSNP rs2514254848, ClinGen allele CA406085621.

ClinVar aggregate classification (germline): Uncertain significance (1 of 4 stars; one submission).

Conditions:
MEGF8-related Carpenter syndrome. Also called: Carpenter syndrome 2. Identifiers: Orphanet 65759, MedGen C3554247, MONDO:0013998, OMIM 614976.

Submission:

Labcorp Genetics (formerly Invitae), Labcorp
Classification: Uncertain significance for MEGF8-related Carpenter syndrome. Last evaluated: 2022-07-14. Review status: criteria provided, single submitter. Criteria: Invitae Variant Classification Sherloc (09022015). Collection method: clinical testing. Allele origin: germline.
Comment: This variant is not present in population databases (gnomAD no frequency). In summary, the available evidence is currently insufficient to determine the role of this variant in disease. Therefore, it has been classified as a Variant of Uncertain Significance. Algorithms developed to predict the effect of missense changes on protein structure and function are either unavailable or do not agree on the potential impact of this missense change (SIFT: "Deleterious"; PolyPhen-2: "Possibly Damaging"; Align-GVGD: "Class C0"). This variant has not been reported in the literature in individuals affected with MEGF8-related conditions. This sequence change replaces histidine, which is basic and polar, with proline, which is neutral and non-polar, at codon 337 of the MEGF8 protein (p.His337Pro).